The following is an entry in ClinVar:

ClinVar aggregate classification (germline): Uncertain significance (1 of 4 stars; one submission).

Conditions:
Inborn genetic diseases. Identifiers: MedGen C0950123, MeSH D030342.

Submission:

Ambry Genetics
Classification: Uncertain significance for Inborn genetic diseases. Last evaluated: 2024-05-19. Review status: criteria provided, single submitter. Criteria: Ambry Variant Classification Scheme 2023. Collection method: clinical testing. Allele origin: germline.
Comment: The p.A280D variant (also known as c.839C>A), located in coding exon 8 of the RAD51 gene, results from a C to A substitution at nucleotide position 839. The alanine at codon 280 is replaced by aspartic acid, an amino acid with dissimilar properties. This amino acid position is conserved. In addition, the in silico prediction for this alteration is inconclusive. Based on the available evidence, the clinical significance of this variant remains unclear.

NM_002875.5(RAD51):c.839C>A (p.Ala280Asp)

Gene: RAD51 (RAD51 recombinase; plus strand). Cytogenetic location: 15q15.1.
Variant type: single nucleotide variant.
Coding change: c.839C>A on transcript NM_002875.5 (MANE Select); coding-DNA position 839, C replaced by A.
Protein change: p.Ala280Asp; replaces alanine 280 with aspartic acid.
Molecular consequence: missense variant. On other transcripts: intron variant (1).
Genome position (GRCh38, 1-based): chr15:40,729,917, C>A. VCF-style: chr15-40729917-C-A. GRCh37 (hg19) VCF-style: chr15-41022115-C-A.
Other names: c.842C>A, p.Ala281Asp (NM_001164269.2, NM_133487.4); c.774+283C>A (NM_001164270.2); short protein forms A280D, A281D.
Identifiers: ClinVar variation 3312353 (VCV003312353.1).